The following is an entry in ClinVar:

ClinVar aggregate classification (germline): Uncertain significance. Review status: criteria provided, multiple submitters, no conflicts (2 of 4 stars). 6 submissions from 6 submitters: Uncertain significance (6). Last evaluated 2025-05-22.

Conditions:
Hereditary nonpolyposis colorectal neoplasms. Identifiers: MedGen C0009405, MeSH D003123.
Hereditary cancer-predisposing syndrome. Also called: Tumor predisposition; Hereditary Cancer Syndrome; Hereditary neoplastic syndrome; Neoplastic Syndromes, Hereditary. Identifiers: Orphanet 140162, MedGen C0027672, MeSH D009386, MONDO:0015356.
Lynch syndrome 4 (LYNCH4). Also called: Colorectal cancer, hereditary nonpolyposis, type 4; Hereditary non-polyposis colorectal cancer, type 4. Identifiers: Orphanet 144, MedGen C1838333, MONDO:0013699, OMIM 614337. Disease mechanism: loss of function.

Allele frequency attached by ClinVar (database versions not stated): gnomAD 0.00001.
gnomAD v4.1: 1 of 1,601,760 alleles (0.000062%); no homozygotes.

Submissions (6):

Ambry Genetics
Classification: Uncertain significance for Hereditary cancer-predisposing syndrome. Last evaluated: 2025-05-22. Review status: criteria provided, single submitter. Criteria: Ambry Variant Classification Scheme 2023. Collection method: clinical testing. Allele origin: germline.
Comment: The p.E736A variant (also known as c.2207A>C), located in coding exon 13 of the PMS2 gene, results from an A to C substitution at nucleotide position 2207. The glutamic acid at codon 736 is replaced by alanine, an amino acid with dissimilar properties. This amino acid position is highly conserved in available vertebrate species. In addition, this alteration is predicted to be deleterious by in silico analysis. Based on the available evidence, the clinical significance of this variant remains unclear.

Color Diagnostics, LLC DBA Color Health
Classification: Uncertain significance for Hereditary cancer-predisposing syndrome. Last evaluated: 2025-03-31. Review status: criteria provided, single submitter. Criteria: ACMG Guidelines, 2015. Collection method: clinical testing. Allele origin: germline.
Comment: This missense variant replaces glutamic acid with alanine at codon 736 of the PMS2 protein. Computational prediction suggests that this variant may have deleterious impact on protein structure and function (internally defined REVEL score threshold >= 0.7, PMID: 27666373). To our knowledge, functional studies have not been reported for this variant. This variant has not been reported in individuals affected with PMS2-related disorders in the literature. This variant has not been identified in the general population by the Genome Aggregation Database (gnomAD). The available evidence is insufficient to determine the role of this variant in disease conclusively. Therefore, this variant is classified as a Variant of Uncertain Significance.

Quest Diagnostics Nichols Institute San Juan Capistrano
Classification: Uncertain significance. Last evaluated: 2025-02-11. Review status: criteria provided, single submitter. Criteria: Quest Diagnostics criteria. Collection method: clinical testing. Allele origin: unknown.
Comment: The PMS2 c.2207A>C (p.Glu736Ala) variant has not been reported in individuals with PMS2-related conditions in the published literature. The frequency of this variant in the general population (Genome Aggregation Database) is uninformative in the assessment of its pathogenicity. Analysis of this variant using bioinformatics tools for the prediction of the effect of amino acid changes on protein structure and function yielded predictions that this variant is damaging. Based on the available information, we are unable to determine the clinical significance of this variant.

Labcorp Genetics (formerly Invitae), Labcorp
Classification: Uncertain significance for Hereditary nonpolyposis colorectal neoplasms. Last evaluated: 2024-10-03. Review status: criteria provided, single submitter. Criteria: Invitae Variant Classification Sherloc (09022015). Collection method: clinical testing. Allele origin: germline.
Comment: This sequence change replaces glutamic acid, which is acidic and polar, with alanine, which is neutral and non-polar, at codon 736 of the PMS2 protein (p.Glu736Ala). The frequency data for this variant in the population databases (gnomAD) is considered unreliable due to the presence of homologous sequence, such as pseudogenes or paralogs, in the genome. This variant has not been reported in the literature in individuals affected with PMS2-related conditions. ClinVar contains an entry for this variant (Variation ID: 411024). Invitae Evidence Modeling of protein sequence and biophysical properties (such as structural, functional, and spatial information, amino acid conservation, physicochemical variation, residue mobility, and thermodynamic stability) indicates that this missense variant is expected to disrupt PMS2 protein function with a positive predictive value of 80%. In summary, the available evidence is currently insufficient to determine the role of this variant in disease. Therefore, it has been classified as a Variant of Uncertain Significance.

Baylor Genetics
Classification: Uncertain significance for Lynch syndrome 4. Last evaluated: 2023-10-07. Review status: criteria provided, single submitter. Criteria: ACMG Guidelines, 2015. Collection method: clinical testing. Allele origin: unknown.

GeneDx
Classification: Uncertain significance. Last evaluated: 2019-07-03. Review status: criteria provided, single submitter. Criteria: GeneDx Variant Classification Process June 2021. Collection method: clinical testing. Allele origin: germline. Affected: yes.
Comment: Not observed in large population cohorts (Lek et al., 2016); In silico analysis, which includes protein predictors and evolutionary conservation, supports a deleterious effect; Has not been previously published as pathogenic or benign to our knowledge

NM_000535.7(PMS2):c.2207A>C (p.Glu736Ala)

Gene: PMS2 (PMS1 homolog 2, mismatch repair system component; minus strand). Cytogenetic location: 7p22.1.
Variant type: single nucleotide variant.
Coding change: c.2207A>C on transcript NM_000535.7 (MANE Select); coding-DNA position 2207, A replaced by C.
Protein change: p.Glu736Ala; replaces glutamic acid 736 with alanine.
Molecular consequence: missense variant. On other transcripts: non-coding transcript variant (1).
Genome position (GRCh38, 1-based): chr7:5,978,664, T>G on the plus strand (A>C on the coding strand, the complement: PMS2 is on the minus strand). VCF-style: chr7-5978664-T-G. GRCh37 (hg19) VCF-style: chr7-6018295-T-G.
Other names: c.1634A>C, p.Glu545Ala (NM_001322013.2); c.2207A>C, p.Glu736Ala (NM_001322014.2); c.1802A>C, p.Glu601Ala (NM_001322003.2, NM_001322004.2, NM_001322005.2 and 1 more transcripts); c.2051A>C, p.Glu684Ala (NM_001322006.2); c.1889A>C, p.Glu630Ala (NM_001322007.2, NM_001322008.2); c.1646A>C, p.Glu549Ala (NM_001322010.2); c.1274A>C, p.Glu425Ala (NM_001322011.2, NM_001322012.2); c.1898A>C, p.Glu633Ala (NM_001322015.2); and 1 more; short protein forms E736A, E601A, E633A, E425A, E630A, E545A, E549A, E684A.
Identifiers: ClinVar variation 411024 (VCV000411024.17), dbSNP rs1060503115, ClinGen allele CA16612210.